The following is an entry in ClinVar:

NM_001110556.2(FLNA):c.6033C>T (p.Phe2011=)

Gene: FLNA (filamin A; minus strand). Cytogenetic location: Xq28.
Variant type: single nucleotide variant.
Coding change: c.6033C>T on transcript NM_001110556.2 (MANE Select); coding-DNA position 6033, C replaced by T.
Protein change: p.Phe2011=; no amino-acid change (phenylalanine 2011 retained).
Molecular consequence: synonymous variant.
Genome position (GRCh38, 1-based): chrX:154,353,194, G>A on the plus strand (C>T on the coding strand, the complement: FLNA is on the minus strand). VCF-style: chrX-154353194-G-A. GRCh37 (hg19) VCF-style: chrX-153581562-G-A.
Other names: c.6009C>T, p.Phe2003= (NM_001456.4); c.6033C>T (NM_001110556.1).
Identifiers: ClinVar variation 1124541 (VCV001124541.14), dbSNP rs374508752, ClinGen allele CA10560173.

ClinVar aggregate classification (germline): Likely benign. Review status: criteria provided, multiple submitters, no conflicts (2 of 4 stars). 4 submissions from 4 submitters: Likely benign (4). Last evaluated 2025-11-17.

Conditions:
Frontometaphyseal dysplasia (FMD1). Identifiers: Orphanet 1826, MedGen C0265293, MONDO:0015942.
Oto-palato-digital syndrome, type II (OPD2). Also called: FACIOPALATOOSSEOUS SYNDROME; Otopalatodigital Syndrome, Type II; Otopalatodigital Syndrome Type 2 (FLNA-OPD2); OPD II SYNDROME. Identifiers: Orphanet 669, Orphanet 90652, MedGen C1844696, MONDO:0010571, OMIM 304120.
Heterotopia, periventricular, X-linked dominant (PVNH1). Also called: PERIVENTRICULAR NODULAR HETEROTOPIA 4; HETEROTOPIA, PERIVENTRICULAR, 1; PERIVENTRICULAR NODULAR HETEROTOPIA 1; X-linked periventricular heterotopia. Identifiers: Orphanet 2149, Orphanet 82004, MedGen C1848213, MONDO:0010233, OMIM 300049.
Melnick-Needles syndrome (MNS). Also called: Melnick-Needles Syndrome (FLNA-MNS); MELNICK-NEEDLES OSTEODYSPLASTY; OSTEODYSPLASTY OF MELNICK AND NEEDLES. Identifiers: Orphanet 2484, MedGen C0025237, MONDO:0010650, OMIM 309350.
FLNA-related disorder.
Familial thoracic aortic aneurysm and aortic dissection (TAAD). Also called: Thoracic aortic aneurysms and dissections. Identifiers: Orphanet 91387, MedGen C4707243, MONDO:0019625.

Allele frequency attached by ClinVar (database versions not stated): gnomAD exomes 0.00004 and 0.00008; ExAC 0.00008; ESP Exome Variant Server 0.00010; TOPMed 0.00002; gnomAD 0.00004.
gnomAD v4.1: 45 of 1,210,109 alleles (0.0037%); highest among the groups gnomAD compares: South Asian, 0.039%; no homozygotes.

Submissions (4):

Labcorp Genetics (formerly Invitae), Labcorp
Classification: Likely benign for Oto-palato-digital syndrome, type II; Heterotopia, periventricular, X-linked dominant; Frontometaphyseal dysplasia; Melnick-Needles syndrome. Last evaluated: 2025-11-17. Review status: criteria provided, single submitter. Criteria: Invitae Variant Classification Sherloc (09022015). Collection method: clinical testing. Allele origin: germline.

PreventionGenetics, part of Exact Sciences
Classification: Likely benign for FLNA-related condition. Last evaluated: 2025-03-12. Review status: criteria provided, single submitter. Criteria: ACMG Guidelines, 2015. Collection method: clinical testing. Allele origin: germline.
Comment: This variant is classified as likely benign based on ACMG/AMP sequence variant interpretation guidelines (Richards et al. 2015 PMID: 25741868, with internal and published modifications).

GeneDx
Classification: Likely benign. Last evaluated: 2021-05-17. Review status: criteria provided, single submitter. Criteria: GeneDx Variant Classification Process June 2021. Collection method: clinical testing. Allele origin: germline. Affected: yes.

Ambry Genetics
Classification: Likely benign for Familial thoracic aortic aneurysm and aortic dissection. Last evaluated: 2020-07-19. Review status: criteria provided, single submitter. Criteria: Ambry Variant Classification Scheme 2023. Collection method: clinical testing. Allele origin: germline.